The following is an entry in ClinVar:

NM_001142800.2(EYS):c.9267dup (p.Phe3090fs)

Genes: EYS (EGF-like photoreceptor maintenance factor; minus strand), PHF3 (PHD finger protein 3; plus strand). Cytogenetic location: 6q12.
Variant type: Duplication.
Coding change: c.9267dup on transcript NM_001142800.2 (MANE Select); coding-DNA position 9267, one base duplicated (C; older notation c.9267dupC).
Protein change: p.Phe3090fs; shifts the reading frame from phenylalanine 3090.
Molecular consequence: frameshift variant. On other transcripts: 3 prime UTR variant (5).
Genome position (GRCh38, 1-based): chr6:63,720,764, G duplicated on the plus strand (C on the coding strand, the reverse complement: EYS is on the minus strand). VCF-style (leftmost placement, unchanged base first): chr6-63720763-A-AG. GRCh37 (hg19) VCF-style: chr6-64430659-A-AG.
Other names: c.*7056dup (NM_001290259.2, NM_001370348.2, NM_001370349.2 and 2 more transcripts); c.9330dup, p.Phe3111fs (NM_001292009.2); short protein forms F3090fs, F3111fs.
Identifiers: ClinVar variation 942703 (VCV000942703.10), dbSNP rs1768346138, ClinGen allele CA1139659646.

ClinVar aggregate classification (germline): Pathogenic/Likely pathogenic. Review status: criteria provided, multiple submitters, no conflicts (2 of 4 stars). 2 submissions from 2 submitters: Pathogenic (1); Likely pathogenic (1). Last evaluated 2024-05-30.

Conditions:
EYS-related disorder. Also called: EYS-related condition.

Allele frequency attached by ClinVar (database versions not stated): gnomAD exomes below 0.00001.

Submissions (2):

Blueprint Genetics
Classification: Likely pathogenic for EYS-related disorders. Last evaluated: 2024-05-30. Review status: criteria provided, single submitter. Criteria: ACMG Guidelines, 2015. Collection method: clinical testing. Allele origin: germline. Affected: yes. Observed: 1 variant allele.

Labcorp Genetics (formerly Invitae), Labcorp
Classification: Pathogenic. Last evaluated: 2022-10-04. Review status: criteria provided, single submitter. Criteria: Invitae Variant Classification Sherloc (09022015). Collection method: clinical testing. Allele origin: germline.
Comment: This variant is not present in population databases (gnomAD no frequency). This sequence change creates a premature translational stop signal (p.Phe3090Leufs*2) in the EYS gene. While this is not anticipated to result in nonsense mediated decay, it is expected to disrupt the last 55 amino acid(s) of the EYS protein. This variant has not been reported in the literature in individuals affected with EYS-related conditions. ClinVar contains an entry for this variant (Variation ID: 942703). This variant disrupts a region of the EYS protein in which other variant(s) (p.Tyr3135*) have been determined to be pathogenic (PMID: 18976725, 30337596). This suggests that this is a clinically significant region of the protein, and that variants that disrupt it are likely to be disease-causing. For these reasons, this variant has been classified as Pathogenic.

Literature cited by the submitters: PubMed 18976725 (cited by Labcorp Genetics (formerly Invitae), Labcorp); PubMed 30337596 (cited by Labcorp Genetics (formerly Invitae), Labcorp).